The following is an entry in ClinVar:

ClinVar aggregate classification (germline): Uncertain significance. Review status: criteria provided, multiple submitters, no conflicts (2 of 4 stars). 3 submissions from 3 submitters: Uncertain significance (3). Last evaluated 2025-10-18.

Conditions:
Inborn genetic diseases. Identifiers: MedGen C0950123, MeSH D030342.
Deafness-lymphedema-leukemia syndrome. Also called: Lymphedema, primary, with myelodysplasia; Emberger syndrome. Identifiers: Orphanet 3226, MedGen C3279664, MONDO:0013540, OMIM 614038.
Monocytopenia with susceptibility to infections. Also called: MONOCYTOPENIA AND MYCOBACTERIAL INFECTION SYNDROME; MONOCYTOPENIA WITH SUSCEPTIBILITY TO MYCOBACTERIAL, FUNGAL, AND PAPILLOMAVIRUS INFECTIONS AND MYELODYSPLASIA; COMBINED IMMUNODEFICIENCY WITH SUSCEPTIBILITY TO MYCOBACTERIAL, VIRAL, AND FUNGAL INFECTIONS; Dendritic cell, monocyte, B lymphocyte, and natural killer lymphocyte deficiency; IMMUNODEFICIENCY 21; GATA2 DEFICIENCY. Identifiers: Orphanet 228423, MedGen C3280030, MONDO:0013607, OMIM 614172.
Acute myeloid leukemia (AML). Also called: Acute myeloid leukemia, adult; AML adult; Acute non-lymphocytic leukemia; Acute granulocytic leukemia; Leukemia, acute myeloid, somatic; Leukemia, acute myelogenous, somatic. Identifiers: Orphanet 519, MedGen C0023467, MeSH D015470, MONDO:0018874, OMIM 601626, HP:0004808. Disease mechanism: Constitutively activated FLT3.

Allele frequency attached by ClinVar (database versions not stated): gnomAD 0.00001; TOPMed 0.00001.
gnomAD v4.1: 3 of 1,602,702 alleles (0.00019%); highest among the groups gnomAD compares: African/African-American, 0.004%; no homozygotes.

Submissions (3):

Labcorp Genetics (formerly Invitae), Labcorp
Classification: Uncertain significance for Monocytopenia with susceptibility to infections; Deafness-lymphedema-leukemia syndrome. Last evaluated: 2025-10-18. Review status: criteria provided, single submitter. Criteria: Invitae Variant Classification Sherloc (09022015). Collection method: clinical testing. Allele origin: germline.
Comment: This sequence change replaces alanine, which is neutral and non-polar, with valine, which is neutral and non-polar, at codon 75 of the GATA2 protein (p.Ala75Val). This variant is not present in population databases (gnomAD no frequency). This variant has not been reported in the literature in individuals affected with GATA2-related conditions. ClinVar contains an entry for this variant (Variation ID: 856476). Invitae Evidence Modeling of protein sequence and biophysical properties (such as structural, functional, and spatial information, amino acid conservation, physicochemical variation, residue mobility, and thermodynamic stability) indicates that this missense variant is not expected to disrupt GATA2 protein function with a negative predictive value of 95%. In summary, the available evidence is currently insufficient to determine the role of this variant in disease. Therefore, it has been classified as a Variant of Uncertain Significance.

Ambry Genetics
Classification: Uncertain significance for Inborn genetic diseases. Last evaluated: 2025-03-18. Review status: criteria provided, single submitter. Criteria: Ambry Variant Classification Scheme 2023. Collection method: clinical testing. Allele origin: germline.
Comment: The p.A75V variant (also known as c.224C>T), located in coding exon 1 of the GATA2 gene, results from a C to T substitution at nucleotide position 224. The alanine at codon 75 is replaced by valine, an amino acid with similar properties. This amino acid position is highly conserved in available vertebrate species. In addition, this alteration is predicted to be deleterious by in silico analysis. Based on the available evidence, the clinical significance of this variant remains unclear.

Baylor Genetics
Classification: Uncertain significance for Acute myeloid leukemia. Last evaluated: 2024-03-29. Review status: criteria provided, single submitter. Criteria: ACMG Guidelines, 2015. Collection method: clinical testing. Allele origin: unknown.

NM_032638.5(GATA2):c.224C>T (p.Ala75Val)

Gene: GATA2 (GATA binding protein 2; minus strand). Cytogenetic location: 3q21.3.
Variant type: single nucleotide variant.
Coding change: c.224C>T on transcript NM_032638.5 (MANE Select); coding-DNA position 224, C replaced by T.
Protein change: p.Ala75Val; replaces alanine 75 with valine.
Molecular consequence: missense variant.
Genome position (GRCh38, 1-based): chr3:128,486,808, G>A on the plus strand (C>T on the coding strand, the complement: GATA2 is on the minus strand). VCF-style: chr3-128486808-G-A. GRCh37 (hg19) VCF-style: chr3-128205651-G-A.
Other names: c.224C>T, p.Ala75Val (NM_001145661.2, NM_001145662.1); short protein forms A75V.
Identifiers: ClinVar variation 856476 (VCV000856476.11), dbSNP rs1559987952, ClinGen allele CA354408176.